The following is an entry in ClinVar:

NM_025137.4(SPG11):c.1457-4A>G

Gene: SPG11 (SPG11 vesicle trafficking associated, spatacsin; minus strand). Cytogenetic location: 15q21.1.
Variant type: single nucleotide variant.
Coding change: c.1457-4A>G on transcript NM_025137.4 (MANE Select); 4 bases into the intron before coding-DNA position 1457, A replaced by G.
Molecular consequence: intron variant.
Genome position (GRCh38, 1-based): chr15:44,649,015, T>C on the plus strand (A>G on the coding strand, the complement: SPG11 is on the minus strand). VCF-style: chr15-44649015-T-C. GRCh37 (hg19) VCF-style: chr15-44941213-T-C.
Other names: c.1457-4A>G (NM_001160227.2).
Identifiers: ClinVar variation 701934 (VCV000701934.16), dbSNP rs773844127, ClinGen allele CA7535536.

ClinVar aggregate classification (germline): Conflicting classifications of pathogenicity. Review status: criteria provided, conflicting classifications (1 of 4 stars). 3 submissions from 3 submitters: Uncertain significance (1); Likely benign (2). Last evaluated 2025-12-21.

Conditions:
SPG11-related disorder. Also called: SPG11-related condition.
Hereditary spastic paraplegia 11. Also called: Spastic paraplegia, mental retardation and thin corpus callosum; Spastic Paraplegia 11; SPASTIC PARAPLEGIA, AUTOSOMAL RECESSIVE, COMPLICATED, WITH THIN CORPUS CALLOSUM; SPASTIC PARAPLEGIA, AUTOSOMAL RECESSIVE, WITH MENTAL IMPAIRMENT AND THIN CORPUS CALLOSUM; Nakamura Osame syndrome; Autosomal recessive hereditary spastic paraplegia, mental impairment, and thin corpus callosum. Identifiers: Orphanet 2822, MedGen C1858479, MONDO:0011445, OMIM 604360.

Allele frequency attached by ClinVar (database versions not stated): TOPMed 0.00002; gnomAD 0.00007 and 0.00009; ExAC 0.00010; gnomAD exomes 0.00013.
gnomAD v4.1: 91 of 1,610,940 alleles (0.0056%); highest among the groups gnomAD compares: Admixed American, 0.017%; no homozygotes.

Submissions (3):

Labcorp Genetics (formerly Invitae), Labcorp
Classification: Likely benign for Hereditary spastic paraplegia 11. Last evaluated: 2025-12-21. Review status: criteria provided, single submitter. Criteria: Invitae Variant Classification Sherloc (09022015). Collection method: clinical testing. Allele origin: germline.

PreventionGenetics, part of Exact Sciences
Classification: Likely benign for SPG11-related condition. Last evaluated: 2025-01-02. Review status: criteria provided, single submitter. Criteria: ACMG Guidelines, 2015. Collection method: clinical testing. Allele origin: germline.
Comment: This variant is classified as likely benign based on ACMG/AMP sequence variant interpretation guidelines (Richards et al. 2015 PMID: 25741868, with internal and published modifications).

Illumina Laboratory Services, Illumina
Classification: Uncertain significance for Hereditary spastic paraplegia 11. Last evaluated: 2018-01-13. Review status: criteria provided, single submitter. Criteria: ICSL Variant Classification Criteria 13 December 2019. Collection method: clinical testing. Allele origin: germline.